The following is an entry in ClinVar:

NM_000368.5(TSC1):c.2287C>G (p.Gln763Glu)

Gene: TSC1 (TSC complex subunit 1; minus strand). Cytogenetic location: 9q34.13.
Variant type: single nucleotide variant.
Coding change: c.2287C>G on transcript NM_000368.5 (MANE Select); coding-DNA position 2287, C replaced by G.
Protein change: p.Gln763Glu; replaces glutamine 763 with glutamic acid.
Molecular consequence: missense variant.
Genome position (GRCh38, 1-based): chr9:132,902,709, G>C on the plus strand (C>G on the coding strand, the complement: TSC1 is on the minus strand). VCF-style: chr9-132902709-G-C. GRCh37 (hg19) VCF-style: chr9-135778096-G-C.
Other names: c.2284C>G, p.Gln762Glu (NM_001162426.2); c.2134C>G, p.Gln712Glu (NM_001162427.2); c.1924C>G, p.Gln642Glu (NM_001362177.2); short protein forms Q762E, Q763E, Q712E, Q642E.
Identifiers: ClinVar variation 1348786 (VCV001348786.8), dbSNP rs118203671, ClinGen allele CA375359739.
Genomic context (GRCh38, chr9:132,902,709, plus strand): 5'-GCAGCTGTCTGATCTGGCTGTGGAGCTTGGTTACCATAGTGTCACGCTGCTCCTGGAGCT[G>C]ATTGTATCTAGCTTGTTCTTTCTGCAGACTAACCTTCCACATCTGGATGTCCTTCTCTTG-3'
Protein context (NP_000359.1, residues 753-773): SLQKEQARYN[Gln763Glu]LQEQRDTMVT

ClinVar aggregate classification (germline): Uncertain significance (1 of 4 stars; one submission).

Conditions:
Tuberous sclerosis 1 (TSC1). Identifiers: Orphanet 805, MedGen C1854465, MONDO:0008612, OMIM 191100.

Submission:

Labcorp Genetics (formerly Invitae), Labcorp
Classification: Uncertain significance for Tuberous sclerosis 1. Last evaluated: 2025-07-28. Review status: criteria provided, single submitter. Criteria: Invitae Variant Classification Sherloc (09022015). Collection method: clinical testing. Allele origin: germline.
Comment: This sequence change replaces glutamine, which is neutral and polar, with glutamic acid, which is acidic and polar, at codon 763 of the TSC1 protein (p.Gln763Glu). This variant is not present in population databases (gnomAD no frequency). This variant has not been reported in the literature in individuals affected with TSC1-related conditions. ClinVar contains an entry for this variant (Variation ID: 1348786). Invitae Evidence Modeling of protein sequence and biophysical properties (such as structural, functional, and spatial information, amino acid conservation, physicochemical variation, residue mobility, and thermodynamic stability) indicates that this missense variant is not expected to disrupt TSC1 protein function with a negative predictive value of 95%. In summary, the available evidence is currently insufficient to determine the role of this variant in disease. Therefore, it has been classified as a Variant of Uncertain Significance.